The following is an entry in ClinVar:

ClinVar aggregate classification (germline): Pathogenic (1 of 4 stars; one submission).

Conditions:
Hereditary diffuse gastric adenocarcinoma (HDGC). Also called: DIFFUSE GASTRIC AND LOBULAR BREAST CANCER SYNDROME. Identifiers: Orphanet 26106, MedGen C1708349, MONDO:0007648, OMIM 137215.

Submission:

Myriad Genetics, Inc.
Classification: Pathogenic for Hereditary diffuse gastric adenocarcinoma. Last evaluated: 2023-06-12. Review status: criteria provided, single submitter. Criteria: Myriad Autosomal Dominant, Autosomal Recessive and X-Linked Classification Criteria (2023). Collection method: clinical testing. Allele origin: unknown.
Comment: This variant is considered pathogenic. This variant creates a frameshift predicted to result in premature protein truncation.

NM_004360.5(CDH1):c.944del (p.Asn315fs)

Gene: CDH1 (cadherin 1; plus strand). Cytogenetic location: 16q22.1.
Variant type: Deletion.
Coding change: c.944del on transcript NM_004360.5 (MANE Select); coding-DNA position 944, one base deleted (A; older notation c.944delA).
Protein change: p.Asn315fs; shifts the reading frame from asparagine 315.
Molecular consequence: frameshift variant. On other transcripts: 5 prime UTR variant (2).
Genome position (GRCh38, 1-based): chr16:68,811,795, A deleted; the last of 5 consecutive A bases (chr16:68,811,791-68,811,795); deleting any one gives the same sequence. VCF-style (leftmost placement, unchanged base first): chr16-68811790-CA-C. GRCh37 (hg19) VCF-style: chr16-68845693-CA-C.
Other names: c.944del, p.Asn315fs (NM_001317184.2); c.-672del (NM_001317185.2); c.-876del (NM_001317186.2); short protein forms N315fs.
Identifiers: ClinVar variation 2584237 (VCV002584237.2), dbSNP rs2152132067, ClinGen allele CA645596648.